The following is an entry in ClinVar:

ClinVar aggregate classification (germline): Likely benign. Review status: criteria provided, multiple submitters, no conflicts (2 of 4 stars). 7 submissions from 6 submitters: Likely benign (6). 1 of the submissions does not count toward it. Last evaluated 2026-01-01.

Conditions:
KCNT1-related disorder. Also called: KCNT1-related condition.
Developmental and epileptic encephalopathy, 14 (DEE14). Also called: Early infantile epileptic encephalopathy 14. Identifiers: Orphanet 293181, MedGen C3554195, MONDO:0013989, OMIM 614959.
Inborn genetic diseases. Identifiers: MedGen C0950123, MeSH D030342.
Autosomal dominant nocturnal frontal lobe epilepsy 5. Also called: CILIARY DYSKINESIA, PRIMARY, 28, WITHOUT SITUS INVERSUS; CILIARY DYSKINESIA, PRIMARY, 28, WITH SITUS INVERSUS; KCNT1-Related Epilepsy; Epilepsy, nocturnal frontal lobe, 5. Identifiers: Orphanet 98784, MedGen C3554306, MONDO:0014002, OMIM 615005.

Allele frequency attached by ClinVar (database versions not stated): gnomAD exomes 0.00004 and 0.00009; ExAC 0.00010; 1000 Genomes Project 0.00020; TOPMed 0.00022; gnomAD 0.00025; ESP Exome Variant Server 0.00038; 1000 Genomes Project 30x 0.00062.
gnomAD v4.1: 92 of 1,607,550 alleles (0.0057%); highest among the groups gnomAD compares: African/African-American, 0.065%; no homozygotes.

Submissions (7):

CeGaT Center for Human Genetics Tuebingen
Classification: Likely benign. Last evaluated: 2026-01-01. Review status: criteria provided, single submitter. Criteria: CeGaT Center For Human Genetics Tuebingen Variant Classification Criteria Version 2. Collection method: clinical testing. Allele origin: germline. Affected: yes. Observed: 2 variant alleles.
Comment: KCNT1: BP4, BP7

Labcorp Genetics (formerly Invitae), Labcorp
Classification: Likely benign for Autosomal dominant nocturnal frontal lobe epilepsy 5; Developmental and epileptic encephalopathy, 14. Last evaluated: 2025-12-02. Review status: criteria provided, single submitter. Criteria: Invitae Variant Classification Sherloc (09022015). Collection method: clinical testing. Allele origin: germline.

Genome-Nilou Lab
Classification: Likely benign for Developmental and epileptic encephalopathy, 14. Last evaluated: 2022-03-15. Review status: criteria provided, single submitter. Criteria: ACMG Guidelines, 2015. Collection method: clinical testing. Allele origin: germline. Affected: no.

Genome-Nilou Lab
Classification: Likely benign for Autosomal dominant nocturnal frontal lobe epilepsy 5. Last evaluated: 2022-03-15. Review status: criteria provided, single submitter. Criteria: ACMG Guidelines, 2015. Collection method: clinical testing. Allele origin: germline. Affected: no.

Ambry Genetics
Classification: Likely benign for Inborn genetic diseases. Last evaluated: 2018-03-09. Review status: criteria provided, single submitter. Criteria: Ambry Variant Classification Scheme 2023. Collection method: clinical testing. Allele origin: germline.

GeneDx
Classification: Likely benign. Last evaluated: 2016-12-05. Review status: criteria provided, single submitter. Criteria: GeneDx Variant Classification (06012015). Collection method: clinical testing. Allele origin: germline. Affected: yes.
Comment: This variant is considered likely benign or benign based on one or more of the following criteria: it is a conservative change, it occurs at a poorly conserved position in the protein, it is predicted to be benign by multiple in silico algorithms, and/or has population frequency not consistent with disease.

PreventionGenetics, part of Exact Sciences
Classification: Likely benign for KCNT1-related condition. Last evaluated: 2019-04-11. Review status: no assertion criteria provided. Collection method: clinical testing. Allele origin: germline. Not counted in ClinVar's aggregate classification.
Comment: This variant is classified as likely benign based on ACMG/AMP sequence variant interpretation guidelines (Richards et al. 2015 PMID: 25741868, with internal and published modifications).

NM_020822.3(KCNT1):c.1638G>A (p.Pro546=)

Gene: KCNT1 (potassium sodium-activated channel subfamily T member 1; plus strand). Cytogenetic location: 9q34.3.
Variant type: single nucleotide variant.
Coding change: c.1638G>A on transcript NM_020822.3 (MANE Select); coding-DNA position 1638, G replaced by A.
Protein change: p.Pro546=; no amino-acid change (proline 546 retained).
Molecular consequence: synonymous variant.
Genome position (GRCh38, 1-based): chr9:135,770,316, G>A. VCF-style: chr9-135770316-G-A. GRCh37 (hg19) VCF-style: chr9-138662162-G-A.
Other names: c.1503G>A, p.Pro501= (NM_001272003.2).
Identifiers: ClinVar variation 385891 (VCV000385891.47), dbSNP rs138352399, ClinGen allele CA5327016.